The following is an entry in ClinVar:

ClinVar aggregate classification (germline): Uncertain significance (1 of 4 stars; one submission).

Conditions:
Progressive myoclonic epilepsy. Also called: Familial progressive myoclonic epilepsy; Myoclonus epilepsy; Progressive myoclonus epilepsy; Myoclonic Epilepsies, Progressive. Identifiers: Orphanet 308, Orphanet 98261, MedGen C0751778, MONDO:0020074.

Submission:

Labcorp Genetics (formerly Invitae), Labcorp
Classification: Uncertain significance for Progressive myoclonic epilepsy. Last evaluated: 2023-07-07. Review status: criteria provided, single submitter. Criteria: Invitae Variant Classification Sherloc (09022015). Collection method: clinical testing. Allele origin: germline.
Comment: In summary, the available evidence is currently insufficient to determine the role of this variant in disease. Therefore, it has been classified as a Variant of Uncertain Significance. ClinVar contains an entry for this variant (Variation ID: 1025973). Advanced modeling of protein sequence and biophysical properties (such as structural, functional, and spatial information, amino acid conservation, physicochemical variation, residue mobility, and thermodynamic stability) performed at Invitae indicates that this missense variant is not expected to disrupt SCARB2 protein function. This variant has not been reported in the literature in individuals affected with SCARB2-related conditions. This variant is not present in population databases (gnomAD no frequency). This sequence change replaces glutamic acid, which is acidic and polar, with glutamine, which is neutral and polar, at codon 175 of the SCARB2 protein (p.Glu175Gln).

NM_005506.4(SCARB2):c.523G>C (p.Glu175Gln)

Gene: SCARB2 (scavenger receptor class B member 2; minus strand). Cytogenetic location: 4q21.1.
Variant type: single nucleotide variant.
Coding change: c.523G>C on transcript NM_005506.4 (MANE Select); coding-DNA position 523, G replaced by C.
Protein change: p.Glu175Gln; replaces glutamic acid 175 with glutamine.
Molecular consequence: missense variant. On other transcripts: intron variant (1).
Genome position (GRCh38, 1-based): chr4:76,179,606, C>G on the plus strand (G>C on the coding strand, the complement: SCARB2 is on the minus strand). VCF-style: chr4-76179606-C-G. GRCh37 (hg19) VCF-style: chr4-77100759-C-G.
Other names: c.276-3696G>C (NM_001204255.2); short protein forms E175Q.
Identifiers: ClinVar variation 1025973 (VCV001025973.8), dbSNP rs751711805, ClinGen allele CA357326841.